The following is an entry in ClinVar:

ClinVar aggregate classification (germline): Likely benign (0 of 4 stars; one submission).

Conditions:
PON2-related disorder. Also called: PON2-related condition.

Submission:

PreventionGenetics, part of Exact Sciences
Classification: Likely benign for PON2-related condition. Last evaluated: 2021-02-24. Review status: no assertion criteria provided. Collection method: clinical testing. Allele origin: germline.
Comment: This variant is classified as likely benign based on ACMG/AMP sequence variant interpretation guidelines (Richards et al. 2015 PMID: 25741868, with internal and published modifications).

NM_000305.3(PON2):c.45G>C (p.Ala15=)

Genes: ASB4 (ankyrin repeat and SOCS box containing 4; plus strand), PON2 (paraoxonase 2; minus strand), LOC107986822 (uncharacterized LOC107986822; plus strand). Cytogenetic location: 7q21.3.
Variant type: single nucleotide variant.
Coding change: c.45G>C on transcript NM_000305.3 (MANE Select); coding-DNA position 45, G replaced by C.
Protein change: p.Ala15=; no amino-acid change (alanine 15 retained).
Molecular consequence: synonymous variant.
Genome position (GRCh38, 1-based): chr7:95,434,907, C>G on the plus strand (G>C on the coding strand, the complement: PON2 is on the minus strand). VCF-style: chr7-95434907-C-G. GRCh37 (hg19) VCF-style: chr7-95064219-C-G.
Other names: c.45G>C, p.Ala15= (NM_001018161.2).
Identifiers: ClinVar variation 3031586 (VCV003031586.2), dbSNP rs1183901052, ClinGen allele CA456494652.